The following is an entry in ClinVar:

ClinVar aggregate classification (germline): Uncertain significance (1 of 4 stars; one submission).

Allele frequency attached by ClinVar (database versions not stated): gnomAD 0.00001; TOPMed 0.00001.
gnomAD v4.1: 1 of 1,612,752 alleles (0.000062%); highest among the groups gnomAD compares: Admixed American, 0.0017%; no homozygotes.

Submission:

Labcorp Genetics (formerly Invitae), Labcorp
Classification: Uncertain significance. Last evaluated: 2024-12-24. Review status: criteria provided, single submitter. Criteria: Invitae Variant Classification Sherloc (09022015). Collection method: clinical testing. Allele origin: germline.
Comment: This sequence change falls in intron 37 of the PRPF8 gene. It does not directly change the encoded amino acid sequence of the PRPF8 protein. It affects a nucleotide within the consensus splice site. This variant is present in population databases (no rsID available, gnomAD 0.1%). This variant has not been reported in the literature in individuals affected with PRPF8-related conditions. ClinVar contains an entry for this variant (Variation ID: 2126634). Variants that disrupt the consensus splice site are a relatively common cause of aberrant splicing (PMID: 17576681, 9536098). Algorithms developed to predict the effect of sequence changes on RNA splicing suggest that this variant is not likely to affect RNA splicing. In summary, the available evidence is currently insufficient to determine the role of this variant in disease. Therefore, it has been classified as a Variant of Uncertain Significance.

Literature cited by the submitters: PubMed 17576681; PubMed 9536098.

NM_006445.4(PRPF8):c.5987+6C>T

Gene: PRPF8 (pre-mRNA processing factor 8; minus strand). Cytogenetic location: 17p13.3.
Variant type: single nucleotide variant.
Coding change: c.5987+6C>T on transcript NM_006445.4 (MANE Select); 6 bases into the intron after coding-DNA position 5987, C replaced by T.
Molecular consequence: intron variant.
Genome position (GRCh38, 1-based): chr17:1,655,344, G>A on the plus strand (C>T on the coding strand, the complement: PRPF8 is on the minus strand). VCF-style: chr17-1655344-G-A. GRCh37 (hg19) VCF-style: chr17-1558638-G-A.
Identifiers: ClinVar variation 2126634 (VCV002126634.4), dbSNP rs1274679615, ClinGen allele CA624564935.